The following is an entry in ClinVar:

ClinVar aggregate classification (germline): Pathogenic (1 of 4 stars; one submission).

Conditions:
GANAB-related disorder. Also called: GANAB-related condition.

Submission:

PreventionGenetics, part of Exact Sciences
Classification: Pathogenic for GANAB-related condition. Last evaluated: 2026-04-13. Review status: criteria provided, single submitter. Criteria: ACMG Guidelines, 2015. Collection method: clinical testing. Allele origin: germline.
Comment: The GANAB c.2055G>A variant is predicted to result in premature protein termination (p.Trp685*). To our knowledge, this variant has not been reported in the literature or in a large population database (gnomAD), indicating this variant is rare. Nonsense variants in GANAB are expected to be pathogenic. This variant is interpreted as pathogenic.

NM_198334.3(GANAB):c.1989G>A (p.Trp663Ter)

Gene: GANAB (glucosidase II alpha subunit; minus strand). Cytogenetic location: 11q12.3.
Variant type: single nucleotide variant.
Coding change: c.1989G>A on transcript NM_198334.3 (MANE Select); coding-DNA position 1989, G replaced by A.
Protein change: p.Trp663Ter; replaces tryptophan 663 with a stop codon.
Molecular consequence: nonsense.
Genome position (GRCh38, 1-based): chr11:62,628,960, C>T on the plus strand (G>A on the coding strand, the complement: GANAB is on the minus strand). VCF-style: chr11-62628960-C-T. GRCh37 (hg19) VCF-style: chr11-62396432-C-T.
Other names: c.1713G>A, p.Trp571Ter (NM_001278192.2); c.1647G>A, p.Trp549Ter (NM_001278193.2); c.1698G>A, p.Trp566Ter (NM_001278194.2, NM_001329222.2, NM_001329223.2); c.1266G>A, p.Trp422Ter (NM_001329224.2, NM_001329225.2); c.2055G>A, p.Trp685Ter (NM_198335.4); short protein forms W422*, W549*, W566*, W571*, W663*, W685*.
Identifiers: ClinVar variation 4995258 (VCV004995258.1).